The following is an entry in ClinVar:

ClinVar aggregate classification (germline): Pathogenic. Review status: criteria provided, multiple submitters, no conflicts (2 of 4 stars). 2 submissions from 2 submitters: Pathogenic (2). Last evaluated 2021-06-17.

Conditions:
Marfan syndrome (MFS). Also called: Marfan syndrome, classic; Marfan syndrome type 1; Marfan's syndrome; MARFAN SYNDROME, TYPE I; FBN1-Related Marfan Syndrome. Identifiers: Orphanet 284963, Orphanet 558, MedGen C0024796, MONDO:0007947, OMIM 154700.
Familial thoracic aortic aneurysm and aortic dissection (TAAD). Also called: Thoracic aortic aneurysms and dissections. Identifiers: Orphanet 91387, MedGen C4707243, MONDO:0019625.

Submissions (2):

GeneDx
Classification: Pathogenic. Last evaluated: 2021-06-17. Review status: criteria provided, single submitter. Criteria: GeneDx Variant Classification Process June 2021. Collection method: clinical testing. Allele origin: germline. Affected: yes.
Comment: Not observed at significant frequency in large population cohorts (Lek et al., 2016); Aberrant splicing is a common mechanism of disease in this gene (Stenson et al., 2014); Canonical splice site variant expected to result in aberrant splicing, although in the absence of functional evidence the actual effect of this sequence change is unknown.; Different variants affecting the same canonical splice site (c.5422+1 G>T, c.5422+1delG) have been reported in the published literature in association with Marfan syndrome (Stenson et al., 2014); Reported in ClinVar as pathogenic (ClinVar Variant ID# 418198; Landrum et al., 2016); This variant is associated with the following publications: (PMID: 27535533, 17657824, 27906200, 31730815)

Labcorp Genetics (formerly Invitae), Labcorp
Classification: Pathogenic for Marfan syndrome; Familial thoracic aortic aneurysm and aortic dissection. Last evaluated: 2020-10-08. Review status: criteria provided, single submitter. Criteria: Invitae Variant Classification Sherloc (09022015). Collection method: clinical testing. Allele origin: germline.
Comment: For these reasons, this variant has been classified as Pathogenic. Donor and acceptor splice site variants typically lead to a loss of protein function (PMID: 16199547), and loss-of-function variants in FBN1 are known to be pathogenic (PMID: 17657824, 19293843). Algorithms developed to predict the effect of sequence changes on RNA splicing suggest that this variant may disrupt the consensus splice site, but this prediction has not been confirmed by published transcriptional studies. This variant has been observed in individual(s) with Marfan syndrome (PMID: 27906200, 31730815). ClinVar contains an entry for this variant (Variation ID: 418198). This variant is not present in population databases (ExAC no frequency). This sequence change affects a donor splice site in intron 44 of the FBN1 gene. It is expected to disrupt RNA splicing and likely results in an absent or disrupted protein product.

Literature cited by the submitters: PubMed 16199547 (cited by Labcorp Genetics (formerly Invitae), Labcorp); PubMed 17657824 (cited by Labcorp Genetics (formerly Invitae), Labcorp); PubMed 19293843 (cited by Labcorp Genetics (formerly Invitae), Labcorp); PubMed 27906200 (cited by Labcorp Genetics (formerly Invitae), Labcorp); PubMed 31730815 (cited by Labcorp Genetics (formerly Invitae), Labcorp).

NM_000138.5(FBN1):c.5422+1G>A

Gene: FBN1 (fibrillin 1; minus strand). Cytogenetic location: 15q21.1.
Variant type: single nucleotide variant.
Coding change: c.5422+1G>A on transcript NM_000138.5 (MANE Select); the canonical splice donor site of the intron after coding-DNA position 5422, G replaced by A.
Molecular consequence: splice donor variant.
Genome position (GRCh38, 1-based): chr15:48,456,636, C>T on the plus strand (G>A on the coding strand, the complement: FBN1 is on the minus strand). VCF-style: chr15-48456636-C-T. GRCh37 (hg19) VCF-style: chr15-48748833-C-T.
Other names: c.5422+1G>A (NM_001406716.1).
Identifiers: ClinVar variation 418198 (VCV000418198.11), dbSNP rs1064793116, ClinGen allele CA16619952.